The following is an entry in ClinVar:

ClinVar aggregate classification (germline): Pathogenic. Review status: reviewed by expert panel (3 of 4 stars). 15 submissions from 15 submitters: Pathogenic (1). 14 of the submissions do not count toward it. Last evaluated 2018-08-05.

Conditions:
PAH-related disorder. Also called: PAH-related condition.
Phenylketonuria (PKU). Also called: FOLLING DISEASE; OLIGOPHRENIA PHENYLPYRUVICA; Phenylketonurias; Phenylketonuria (PKU). Identifiers: Orphanet 716, MedGen C0031485, MONDO:0009861, OMIM 261600. Disease mechanism: loss of function.

Allele frequency attached by ClinVar (database versions not stated): gnomAD 0.00001; gnomAD exomes 0.00002; ExAC 0.00001; TOPMed 0.00002.
gnomAD v4.1: 57 of 1,613,964 alleles (0.0035%); highest among the groups gnomAD compares: Non-Finnish European, 0.0044%; no homozygotes.

Submissions (15):

ClinGen PAH Variant Curation Expert Panel
Classification: Pathogenic for Phenylketonuria. Last evaluated: 2018-08-05. Review status: reviewed by expert panel. Criteria: ClinGen PAH ACMG Specifications v1. Collection method: curation. Allele origin: germline. Inheritance: Autosomal recessive inheritance.
Comment: The c.829T>G (p.Tyr277Asp) variant in PAH has been reported in 2 individuals with Classic PKU (BH4 deficiency excluded). (PP4_Moderate; PMID: 8268925; PMID: 23500595). This variant has an extremely low allele frequency (1/121400) in ExAC (PM2). This variant has 0% enzyme activity (PS3). This variant was detected in trans with L48S (Pathogenic in ClinVar) (PM3; PMID: 23500595). Computational prediction tools and conservation analysis suggest that the c.829T>G variant may impact the protein (PP3). In summary, this variant meets criteria to be classified as pathogenic for PAH. PAH-specific ACMG/AMP criteria applied: PP4_Moderate, PS3

CeGaT Center for Human Genetics Tuebingen
Classification: Pathogenic. Last evaluated: 2026-07-01. Review status: criteria provided, single submitter. Criteria: CeGaT Center For Human Genetics Tuebingen Variant Classification Criteria Version 2. Collection method: clinical testing. Allele origin: germline. Affected: yes. Observed: 3 variant alleles. Not counted in ClinVar's aggregate classification.
Comment: PAH: PM3:Very Strong, PM2, PM5, PP4:Moderate, PP3, PS3:Supporting

Labcorp Genetics (formerly Invitae), Labcorp
Classification: Pathogenic for Phenylketonuria. Last evaluated: 2026-01-19. Review status: criteria provided, single submitter. Criteria: Invitae Variant Classification Sherloc (09022015). Collection method: clinical testing. Allele origin: germline. Not counted in ClinVar's aggregate classification.
Comment: This sequence change replaces tyrosine, which is neutral and polar, with aspartic acid, which is acidic and polar, at codon 277 of the PAH protein (p.Tyr277Asp). This variant is present in population databases (rs78655458, gnomAD 0.003%). This missense change has been observed in individual(s) with hyperphenylalaninemia (PMID: 2035532, 8268925, 8632937, 12173030, 12655546, 23500595, 26666653). This variant is also known as c.754C>T. ClinVar contains an entry for this variant (Variation ID: 603). Invitae Evidence Modeling of protein sequence and biophysical properties (such as structural, functional, and spatial information, amino acid conservation, physicochemical variation, residue mobility, and thermodynamic stability) indicates that this missense variant is expected to disrupt PAH protein function with a positive predictive value of 80%. Experimental studies have shown that this missense change affects PAH function (PMID: 12655546). For these reasons, this variant has been classified as Pathogenic.

PreventionGenetics, part of Exact Sciences
Classification: Pathogenic for PAH-related condition. Last evaluated: 2025-12-01. Review status: criteria provided, single submitter. Criteria: ACMG Guidelines, 2015. Collection method: clinical testing. Allele origin: germline. Not counted in ClinVar's aggregate classification.
Comment: The PAH c.829T>G variant is predicted to result in the amino acid substitution p.Tyr277Asp. This variant has been reported, in homozygous state or in combination with a second pathogenic PAH variant, as causative for moderate or classic phenylketonuria (Sarkissian et al. 2012. PubMed ID: 23430918; Couce et al. 2013. PubMed ID: 23500595; Jeannesson-Thivisol et al. 2015. PubMed ID: 26666653; Aldámiz-Echevarría et al. 2015. PubMed ID: 25882749). It has been reported that the p.Tyr277 amino acid is near the active site of the enzyme, and functional studies of the p.Tyr277Asp variant have shown that this amino acid change completely abrogates the activity of the PAH enzyme (Pey et al. 2003. PubMed ID: 12655546; Shi et al. 2012. PubMed ID: 21953985). This variant has been interpreted as pathogenic by multiple outside laboratories, as well as the ClinGen PAH Variant Curation Expert Panel (ClinVar ID: 603). This variant is reported in 0.0031% of alleles in individuals of European (non-Finnish) descent in gnomAD. This variant is interpreted as pathogenic.

Blueprint Genetics
Classification: Pathogenic for PAH-related disorders. Last evaluated: 2024-09-06. Review status: criteria provided, single submitter. Criteria: ACMG Guidelines, 2015. Collection method: clinical testing. Allele origin: germline. Affected: yes. Observed: 5 variant alleles. Not counted in ClinVar's aggregate classification.

Natera, Inc.
Classification: Pathogenic for Phenylketonuria. Last evaluated: 2024-04-17. Review status: criteria provided, single submitter. Criteria: Natera Variant Classification Schema (03/2026). Collection method: clinical testing. Allele origin: germline. Not counted in ClinVar's aggregate classification.
Comment: The c.829T>G variant in PAH is a missense variant predicted to cause substitution of tyrosine to aspartic acid at amino acid 277. This variant is rare in the general population with a frequency below the threshold expected for the associated phenotype(s). This variant has been observed in one or more individuals affected with the associated recessive disease, as either homozygous or compound heterozygous with a second variant (PMID: 27121329, 9359039). Given the available evidence, this variant is classified as Pathogenic.

Revvity Omics, Revvity
Classification: Pathogenic for Phenylketonuria. Last evaluated: 2021-11-10. Review status: criteria provided, single submitter. Criteria: ACMG Guidelines, 2015. Collection method: clinical testing. Allele origin: germline. Not counted in ClinVar's aggregate classification.

GeneDx
Classification: Pathogenic. Last evaluated: 2020-10-05. Review status: criteria provided, single submitter. Criteria: GeneDx Variant Classification Process June 2021. Collection method: clinical testing. Allele origin: germline. Affected: yes. Not counted in ClinVar's aggregate classification.
Comment: Reported previously in association with both classic and moderate phenylketonuria (Labrune et al., 1991; Couce et al., 2013; Aldamiz-Echevarria et al., 2016); Functional studies in COS cells showed no residual enzyme activity compared to wild-type (Pey et al., 2003); Not observed in large population cohorts (Lek et al., 2016); In silico analysis, which includes protein predictors and evolutionary conservation, supports a deleterious effect; Response to BH4 therapy is inconsistent (Couce et al., 2013; Jeannesson-Thivisol et al., 2015; Aldamiz-Echevarria et al., 2016); This variant is associated with the following publications: (PMID: 18346471, 27413125, 12655546, 21953985, 25882749, 23500595, 27121329, 26666653, 2035532, 30037505, 31980526, 31589614, 32668217)

Fulgent Genetics
Classification: Pathogenic for Phenylketonuria. Last evaluated: 2018-10-31. Review status: criteria provided, single submitter. Criteria: ACMG Guidelines, 2015. Collection method: clinical testing. Allele origin: unknown. Not counted in ClinVar's aggregate classification.

Women's Health and Genetics/Laboratory Corporation of America, LabCorp
Classification: Pathogenic for Phenylketonuria. Last evaluated: 2017-09-05. Review status: criteria provided, single submitter. Criteria: LabCorp Variant Classification Summary - May 2015. Collection method: clinical testing. Allele origin: germline. Not counted in ClinVar's aggregate classification.
Comment: Variant summary: The PAH c.829T>G (p.Tyr277Asp) variant involves the alteration of a conserved nucleotide located in the Aromatic amino acid hydroxylase, C-terminal domain (InterPro). 5/5 in silico tools predict a damaging outcome for this variant. This variant was found in 1/121400 control chromosomes at a frequency of 0.0000082, which does not exceed the estimated maximal expected allele frequency of a pathogenic PAH variant (0.0079057). The variant has been reported in numerous affected individuals in the literature in the homozygous and compound heterozygous state. In addition, multiple clinical diagnostic laboratories/reputable databases classified this variant as pathogenic. Taken together, this variant is classified as pathogenic.

Quest Diagnostics Nichols Institute San Juan Capistrano
Classification: Pathogenic. Last evaluated: 2016-10-05. Review status: criteria provided, single submitter. Criteria: Quest Diagnostics criteria. Collection method: clinical testing. Allele origin: germline. Not counted in ClinVar's aggregate classification.

Eurofins Ntd Llc (ga)
Classification: Pathogenic. Last evaluated: 2014-05-15. Review status: criteria provided, single submitter. Criteria: EGL Classification Definitions 2015. Collection method: clinical testing. Allele origin: germline. Observed: 3 variant alleles, 3 heterozygotes. Not counted in ClinVar's aggregate classification.

Counsyl
Classification: Pathogenic for Phenylketonuria. Last evaluated: 2018-11-06. Review status: no assertion criteria provided. Collection method: clinical testing. Allele origin: unknown. Not counted in ClinVar's aggregate classification.

OMIM
Classification: Pathogenic for PHENYLKETONURIA. Last evaluated: 1991-06-01. Review status: no assertion criteria provided. Collection method: literature only. Allele origin: germline. Not counted in ClinVar's aggregate classification.

DeBelle Laboratory for Biochemical Genetics, MUHC/MCH RESEARCH INSTITUTE
No classification provided. Review status: no classification provided. Collection method: not provided. Allele origin: not provided. Not counted in ClinVar's aggregate classification.

Literature cited by the submitters: PubMed 23500595 (cited by 4 submitters); PubMed 8268925 (cited by 3 submitters); PubMed 2035532 (cited by 4 submitters); PubMed 8632937 (cited by Labcorp Genetics (formerly Invitae), Labcorp and Counsyl); PubMed 12173030 (cited by Labcorp Genetics (formerly Invitae), Labcorp); PubMed 12655546 (cited by 3 submitters); PubMed 26666653 (cited by Labcorp Genetics (formerly Invitae), Labcorp); PubMed 27121329 (cited by Natera, Inc.); PubMed 9359039 (cited by Natera, Inc.); PubMed 16290003 (cited by Women's Health and Genetics/Laboratory Corporation of America, LabCorp); PubMed 23842451 (cited by Women's Health and Genetics/Laboratory Corporation of America, LabCorp and Counsyl); PubMed 9012412 (cited by Women's Health and Genetics/Laboratory Corporation of America, LabCorp and Counsyl); PubMed 21953985 (cited by Quest Diagnostics Nichols Institute San Juan Capistrano and Counsyl); PubMed 25882749 (cited by Quest Diagnostics Nichols Institute San Juan Capistrano); PubMed 17502162 (cited by Counsyl); PubMed 17924342 (cited by Counsyl); PubMed 7981714 (cited by Counsyl); PubMed 16176881 (cited by Counsyl); PubMed 23430918 (cited by Counsyl); PubMed 8659548 (cited by Counsyl).

NM_000277.3(PAH):c.829T>G (p.Tyr277Asp)

Gene: PAH (phenylalanine hydroxylase; minus strand). Cytogenetic location: 12q23.2.
Variant type: single nucleotide variant.
Coding change: c.829T>G on transcript NM_000277.3 (MANE Select); coding-DNA position 829, T replaced by G.
Protein change: p.Tyr277Asp; replaces tyrosine 277 with aspartic acid.
Molecular consequence: missense variant.
Genome position (GRCh38, 1-based): chr12:102,852,828, A>C on the plus strand (T>G on the coding strand, the complement: PAH is on the minus strand). VCF-style: chr12-102852828-A-C. GRCh37 (hg19) VCF-style: chr12-103246606-A-C.
Other names: p.Y277D:TAT>GAT; NM_000277.2(PAH):c.829T>G; c.829T>G (NM_000277.2); c.829T>G, p.Tyr277Asp (NM_001354304.2); short protein forms Y277D.
Identifiers: ClinVar variation 603 (VCV000000603.108), dbSNP rs78655458, ClinGen allele CA251534.